The following is an entry in ClinVar:

ClinVar aggregate classification (germline): Pathogenic. Review status: reviewed by expert panel (3 of 4 stars). 6 submissions from 6 submitters: Pathogenic (1). 5 of the submissions do not count toward it. Last evaluated 2016-10-18.

Conditions:
Hereditary cancer-predisposing syndrome. Also called: Tumor predisposition; Neoplastic Syndromes, Hereditary; Hereditary Cancer Syndrome; Hereditary neoplastic syndrome. Identifiers: Orphanet 140162, MedGen C0027672, MeSH D009386, MONDO:0015356.
Breast neoplasm. Also called: Neoplasm of breast; Breast tumor; Neoplasm of the breast; Breast Neoplasms. Identifiers: MedGen C1458155, MeSH D001943, MONDO:0021100, HP:0100013. Disease mechanism: gain of function.
Hereditary breast ovarian cancer syndrome. Also called: Hereditary breast and ovarian cancer syndrome (HBOC); Hereditary breast and ovarian cancer syndrome; Hereditary breast and ovarian cancer; Hereditary breast and/or ovarian cancer syndrome; Breast and ovarian cancer; BRCA1- and BRCA2-Associated Hereditary Breast and Ovarian Cancer. Identifiers: Orphanet 145, MedGen C0677776, MeSH D061325, MONDO:0003582. Disease mechanism: loss of function.
Breast-ovarian cancer, familial, susceptibility to, 1 (BROVCA1). Also called: OVARIAN CANCER, SUSCEPTIBILITY TO; BRCA1 Hereditary Breast and Ovarian Cancer. Identifiers: Orphanet 145, MedGen C2676676, MONDO:0011450, OMIM 604370. Disease mechanism: loss of function.

Submissions (6):

Evidence-based Network for the Interpretation of Germline Mutant Alleles (ENIGMA)
Classification: Pathogenic for Breast-ovarian cancer, familial, susceptibility to, 1. Last evaluated: 2016-10-18. Review status: reviewed by expert panel. Criteria: ENIGMA BRCA1/2 Classification Criteria (2015). Collection method: curation. Allele origin: germline.
Comment: Variant allele predicted to encode a truncated non-functional protein.

Color Diagnostics, LLC DBA Color Health
Classification: Pathogenic for Hereditary cancer-predisposing syndrome. Last evaluated: 2024-12-23. Review status: criteria provided, single submitter. Criteria: ACMG Guidelines, 2015. Collection method: clinical testing. Allele origin: germline. Not counted in ClinVar's aggregate classification.
Comment: This variant changes 1 nucleotide in exon 10 of the BRCA1 gene, creating a premature translation stop signal. This variant is expected to result in an absent or non-functional protein product. This variant has been reported in individuals affected with breast and/or ovarian cancer (PMID: 12442274, 30078507). This variant has not been identified in the general population by the Genome Aggregation Database (gnomAD). Loss of BRCA1 function is a known mechanism of disease. Based on the available evidence, this variant is classified as Pathogenic.

Labcorp Genetics (formerly Invitae), Labcorp
Classification: Pathogenic for Hereditary breast ovarian cancer syndrome. Last evaluated: 2020-05-13. Review status: criteria provided, single submitter. Criteria: Invitae Variant Classification Sherloc (09022015). Collection method: clinical testing. Allele origin: germline. Not counted in ClinVar's aggregate classification.
Comment: For these reasons, this variant has been classified as Pathogenic. Loss-of-function variants in BRCA1 are known to be pathogenic (PMID: 20104584). This variant has been observed in individual(s) with breast and/or ovarian cancer (PMID: 12442274, 31174498, 30078507). This variant is also known as c.1584G>T in the literature. ClinVar contains an entry for this variant (Variation ID: 54262). This variant is not present in population databases (ExAC no frequency). This sequence change creates a premature translational stop signal (p.Glu489*) in the BRCA1 gene. It is expected to result in an absent or disrupted protein product.

3DMed Clinical Laboratory Inc
Classification: Pathogenic for Neoplasm of the breast. Last evaluated: 2017-11-20. Review status: criteria provided, single submitter. Criteria: ACMG Guidelines, 2015. Collection method: clinical testing. Allele origin: germline. Affected: yes. Not counted in ClinVar's aggregate classification.

GeneDx
Classification: Pathogenic. Last evaluated: 2017-07-26. Review status: criteria provided, single submitter. Criteria: GeneDx Variant Classification (06012015). Collection method: clinical testing. Allele origin: germline. Affected: yes. Not counted in ClinVar's aggregate classification.
Comment: This variant is denoted BRCA1 c.1465G>T at the cDNA level and p.Glu489Ter (E489X) at the proteinlevel. The substitution creates a nonsense variant, which changes a Glutamic Acid to a premature stop codon(GAG>TAG), and is predicted to cause loss of normal protein function through either protein truncation or nonsense-mediated mRNA decay. This variant has been reported in association with hereditary breast and ovarian cancer (Zhi2002, Cao 2016) and is considered pathogenic

Consortium of Investigators of Modifiers of BRCA1/2 (CIMBA), c/o University of Cambridge
Classification: Pathogenic for Breast-ovarian cancer, familial, susceptibility to, 1. Last evaluated: 2015-10-02. Review status: criteria provided, single submitter. Criteria: CIMBA Mutation Classification guidelines May 2016. Collection method: clinical testing. Allele origin: germline. Not counted in ClinVar's aggregate classification.

Literature cited by the submitters: PubMed 12442274 (cited by Color Diagnostics, LLC DBA Color Health and Labcorp Genetics (formerly Invitae), Labcorp); PubMed 30078507 (cited by Color Diagnostics, LLC DBA Color Health and Labcorp Genetics (formerly Invitae), Labcorp); PubMed 20104584 (cited by Labcorp Genetics (formerly Invitae), Labcorp); PubMed 31174498 (cited by Labcorp Genetics (formerly Invitae), Labcorp); PubMed 15145354 (cited by 3DMed Clinical Laboratory Inc).

NM_007294.4(BRCA1):c.1465G>T (p.Glu489Ter)

Gene: BRCA1 (BRCA1 DNA repair associated; minus strand). Cytogenetic location: 17q21.31.
Variant type: single nucleotide variant.
Coding change: c.1465G>T on transcript NM_007294.4 (MANE Select); coding-DNA position 1465, G replaced by T.
Protein change: p.Glu489Ter; replaces glutamic acid 489 with a stop codon.
Molecular consequence: nonsense. On other transcripts: intron variant (137).
Genome position (GRCh38, 1-based): chr17:43,094,066, C>A on the plus strand (G>T on the coding strand, the complement: BRCA1 is on the minus strand). VCF-style: chr17-43094066-C-A. GRCh37 (hg19) VCF-style: chr17-41246083-C-A.
Other names: 1584G>T; c.1198G>T, p.Glu400Ter (NM_001407936.1, NM_001407930.1, NM_001407931.1 and 2 more transcripts); c.1342G>T, p.Glu448Ter (NM_001407937.1, NM_001407938.1, NM_001407939.1 and 19 more transcripts); c.1339G>T, p.Glu447Ter (NM_001407940.1, NM_001407941.1, NM_001407649.1 and 11 more transcripts); c.1324G>T, p.Glu442Ter (NM_001407942.1, NM_001407944.1, NM_001407945.1 and 29 more transcripts); c.1321G>T, p.Glu441Ter (NM_001407943.1, NM_001407964.1, NM_001407740.1 and 20 more transcripts); c.1132G>T, p.Glu378Ter (NM_001407946.1, NM_001407947.1, NM_001407948.1 and 6 more transcripts); c.1129G>T, p.Glu377Ter (NM_001407954.1, NM_001407955.1, NM_001407956.1 and 1 more transcripts); and 41 more; short protein forms E489*, E442*, E377*, E418*, E422*, E441*, E447*, E463*.
Identifiers: ClinVar variation 54262 (VCV000054262.16), dbSNP rs80357167, ClinGen allele CA000984.